The following is an entry in ClinVar:

ClinVar aggregate classification (germline): Uncertain significance (1 of 4 stars; one submission).

Submission:

Dasa
Classification: Uncertain significance. Last evaluated: 2026-07-17. Review status: criteria provided, single submitter. Criteria: DASA Assertion Criteria. Collection method: clinical testing. Allele origin: germline.
Comment: NM_001164277.2(SLC37A4):c.566A>G (p.Asn189Ser) is a missense variant that results in the substitution of asparagine with serine. This variant is rare in population databases. The currently available literature and clinical evidence are not sufficient to establish a definitive association between this variant and the reported condition. Therefore, this variant is classified as a variant of uncertain significance.

NM_001164277.2(SLC37A4):c.566A>G (p.Asn189Ser)

Gene: SLC37A4 (solute carrier family 37 member 4; minus strand). Cytogenetic location: 11q23.3.
Variant type: single nucleotide variant.
Coding change: c.566A>G on transcript NM_001164277.2 (MANE Select); coding-DNA position 566, A replaced by G.
Protein change: p.Asn189Ser; replaces asparagine 189 with serine.
Molecular consequence: missense variant.
Genome position (GRCh38, 1-based): chr11:119,027,687, T>C on the plus strand (A>G on the coding strand, the complement: SLC37A4 is on the minus strand). VCF-style: chr11-119027687-T-C. GRCh37 (hg19) VCF-style: chr11-118898397-T-C.
Other names: c.566A>G, p.Asn189Ser (NM_001164278.2, NM_001164280.2, NM_001467.6); c.347A>G, p.Asn116Ser (NM_001164279.2); short protein forms N116S, N189S.
Identifiers: ClinVar variation 5020181 (VCV005020181.1).